The following is an entry in ClinVar:

ClinVar aggregate classification (germline): Conflicting classifications of pathogenicity. Review status: criteria provided, conflicting classifications (1 of 4 stars). 16 submissions from 16 submitters: Uncertain significance (9); Likely benign (5). 2 of the submissions do not count toward it. Last evaluated 2026-02-02.

Conditions:
Inborn genetic diseases. Identifiers: MedGen C0950123, MeSH D030342.
Ataxia - oculomotor apraxia type 4. Identifiers: Orphanet 459033, MedGen C4225397, MONDO:0014557, OMIM 616267.
Microcephaly, seizures, and developmental delay. Identifiers: Orphanet 1934, MedGen C3150667, MONDO:0013254, OMIM 613402.
Developmental and epileptic encephalopathy, 12 (DEE12). Identifiers: MedGen C3150988, MONDO:0013389, OMIM 613722.

Allele frequency attached by ClinVar (database versions not stated): ESP Exome Variant Server 0.00050; TOPMed 0.00054; ExAC 0.00086.
gnomAD v4.1: 1,203 of 1,552,620 alleles (0.077%); highest among the groups gnomAD compares: Middle Eastern, 0.32%; 3 homozygotes.

Submissions (16):

Labcorp Genetics (formerly Invitae), Labcorp
Classification: Uncertain significance for Developmental and epileptic encephalopathy, 12. Last evaluated: 2026-02-02. Review status: criteria provided, single submitter. Criteria: Invitae Variant Classification Sherloc (09022015). Collection method: clinical testing. Allele origin: germline.
Comment: This sequence change replaces leucine, which is neutral and non-polar, with methionine, which is neutral and non-polar, at codon 454 of the PNKP protein (p.Leu454Met). This variant is present in population databases (rs200611702, gnomAD 0.1%), and has an allele count higher than expected for a pathogenic variant. This variant has not been reported in the literature in individuals affected with PNKP-related conditions. ClinVar contains an entry for this variant (Variation ID: 95478). Invitae Evidence Modeling of protein sequence and biophysical properties (such as structural, functional, and spatial information, amino acid conservation, physicochemical variation, residue mobility, and thermodynamic stability) indicates that this missense variant is not expected to disrupt PNKP protein function with a negative predictive value of 80%. In summary, the available evidence is currently insufficient to determine the role of this variant in disease. Therefore, it has been classified as a Variant of Uncertain Significance.

ARUP Laboratories, Molecular Genetics and Genomics, ARUP Laboratories
Classification: Uncertain significance. Last evaluated: 2025-03-05. Review status: criteria provided, single submitter. Criteria: ARUP Molecular Germline Variant Investigation Process 2024. Collection method: clinical testing. Allele origin: germline.

Mayo Clinic Laboratories, Mayo Clinic
Classification: Uncertain significance. Last evaluated: 2024-12-04. Review status: criteria provided, single submitter. Criteria: ACMG Guidelines, 2015. Collection method: clinical testing. Allele origin: germline. Observed: 10 variant alleles.
Comment: BP4_moderate

Blueprint Genetics
Classification: Uncertain significance. Last evaluated: 2024-11-27. Review status: criteria provided, single submitter. Criteria: ACMG Guidelines, 2015. Collection method: clinical testing. Allele origin: germline.

Genomic Research Center, Shahid Beheshti University of Medical Sciences
Classification: Likely benign. Last evaluated: 2024-04-22. Review status: criteria provided, single submitter. Criteria: ACMG Guidelines, 2015. Collection method: clinical testing. Allele origin: unknown.

Ambry Genetics
Classification: Likely benign for Inborn genetic diseases. Last evaluated: 2024-02-26. Review status: criteria provided, single submitter. Criteria: Ambry Variant Classification Scheme 2023. Collection method: clinical testing. Allele origin: germline.

Revvity Omics, Revvity
Classification: Likely benign. Last evaluated: 2023-11-01. Review status: criteria provided, single submitter. Criteria: ACMG Guidelines, 2015. Collection method: clinical testing. Allele origin: germline.

Center for Genomics, Ann and Robert H. Lurie Children's Hospital of Chicago
Classification: Uncertain significance for Ataxia - oculomotor apraxia type 4; Microcephaly, seizures, and developmental delay. Last evaluated: 2021-11-23. Review status: criteria provided, single submitter. Criteria: ACMG Guidelines, 2015. Collection method: clinical testing. Allele origin: germline.
Comment: PNKP NM_007254.3 exon 15 p.Leu454Met (c.1360C>A): This variant has been reported in the literature in 1 individual with ataxia (Algahtani 2019 PMID:30881862); of note, this individual also carried several other variants of uncertain significance. This variant is present in 0.1% (71/68018) of European alleles in the Genome Aggregation Database, as well as a 1 homozygote. This variant is present in ClinVar (Variation ID:95478). Evolutionary conservation for this variant is unclear; computational predictive tools suggest that this variant may not impact the protein. In summary, data on this variant is insufficient for disease classification. Therefore, the clinical significance of this variant is uncertain.

GeneDx
Classification: Likely benign. Last evaluated: 2020-11-16. Review status: criteria provided, single submitter. Criteria: GeneDx Variant Classification Process June 2021. Collection method: clinical testing. Allele origin: germline. Affected: yes.
Comment: Identified in a patient with ataxia who was heterozygous for L454M (referred to as c.1160C>A, p.Leu454Met due to the use of alternative nomenclature) and did not have another PNKP variant; this individual also had variants in two other genes that may have been responsible for the phenotype (Algahtani et al., 2019); In silico analysis, which includes protein predictors and evolutionary conservation, supports that this variant does not alter protein structure/function; This variant is associated with the following publications: (PMID: 30881862)

Dubai Health Genomic Medicine Center, Dubai Health
Classification: Likely benign. Last evaluated: 2020-09-24. Review status: criteria provided, single submitter. Criteria: ACMG Guidelines, 2015. Collection method: clinical testing. Allele origin: germline. Affected: yes.

Athena Diagnostics
Classification: Uncertain significance. Last evaluated: 2018-09-10. Review status: criteria provided, single submitter. Criteria: Athena Diagnostics Criteria. Collection method: clinical testing. Allele origin: germline.

Illumina Laboratory Services, Illumina
Classification: Uncertain significance for Microcephaly, seizures, and developmental delay. Last evaluated: 2018-01-13. Review status: criteria provided, single submitter. Criteria: ICSL Variant Classification Criteria 13 December 2019. Collection method: clinical testing. Allele origin: germline.

Eurofins Ntd Llc (ga)
Classification: Uncertain significance. Last evaluated: 2017-09-14. Review status: criteria provided, single submitter. Criteria: EGL Classification Definitions 2015. Collection method: clinical testing. Allele origin: germline. Observed: 6 variant alleles, 6 heterozygotes.

Genetic Services Laboratory, University of Chicago
Classification: Uncertain significance. Last evaluated: 2014-10-27. Review status: criteria provided, single submitter. Criteria: ACMG Guidelines, 2015. Collection method: clinical testing. Allele origin: germline.

Clinical Genetics DNA and cytogenetics Diagnostics Lab, Erasmus MC, Erasmus Medical Center
Classification: Likely benign. Review status: no assertion criteria provided. Collection method: clinical testing. Allele origin: germline. Affected: yes. Study: VKGL Data-share Consensus. Not counted in ClinVar's aggregate classification.

Genome Diagnostics Laboratory, University Medical Center Utrecht
Classification: Likely benign. Review status: no assertion criteria provided. Collection method: clinical testing. Allele origin: germline. Affected: yes. Study: VKGL Data-share Consensus. Not counted in ClinVar's aggregate classification.

Literature cited by the submitters: PubMed 30881862 (cited by Mayo Clinic Laboratories, Mayo Clinic).

NM_007254.4(PNKP):c.1360C>A (p.Leu454Met)

Gene: PNKP (polynucleotide kinase 3'-phosphatase; minus strand). Cytogenetic location: 19q13.33.
Variant type: single nucleotide variant.
Coding change: c.1360C>A on transcript NM_007254.4 (MANE Select); coding-DNA position 1360, C replaced by A.
Protein change: p.Leu454Met; replaces leucine 454 with methionine.
Molecular consequence: missense variant.
Genome position (GRCh38, 1-based): chr19:49,861,634, G>T on the plus strand (C>A on the coding strand, the complement: PNKP is on the minus strand). VCF-style: chr19-49861634-G-T. GRCh37 (hg19) VCF-style: chr19-50364891-G-T.
Other names: p.L454M:CTG>ATG; short protein forms L454M.
Identifiers: ClinVar variation 95478 (VCV000095478.38), dbSNP rs200611702, ClinGen allele CA223008.